The following is an entry in ClinVar:

ClinVar aggregate classification (germline): Benign (0 of 4 stars; one submission).

Conditions:
KRT10-related disorder. Also called: KRT10-related condition.

Submission:

PreventionGenetics, part of Exact Sciences
Classification: Benign for KRT10-related condition. Last evaluated: 2019-08-29. Review status: no assertion criteria provided. Collection method: clinical testing. Allele origin: germline.
Comment: This variant is classified as benign based on ACMG/AMP sequence variant interpretation guidelines (Richards et al. 2015 PMID: 25741868, with internal and published modifications).

NM_000421.5(KRT10):c.1629_1643del (p.543GGGSS[1])

Gene: KRT10 (keratin 10; minus strand). Cytogenetic location: 17q21.2.
Variant type: Deletion.
Coding change: c.1629_1643del on transcript NM_000421.5 (MANE Select); coding-DNA positions 1629 to 1643, 15 bases deleted (GGGCGGCAGCTCCGG).
Protein change: p.543GGGSS[1].
Genome position (GRCh38, 1-based): chr17:40,818,892-40,818,906, CCGGAGCTGCCGCCC deleted on the plus strand (GGGCGGCAGCTCCGG on the coding strand, the reverse complement: KRT10 is on the minus strand); deleting any 15 consecutive bases within chr17:40,818,892-40,818,909 gives the same sequence; the c. name uses the placement nearest the transcript's 3' end. VCF-style (leftmost placement, unchanged base first): chr17-40818891-GCCGGAGCTGCCGCCC-G. GRCh37 (hg19) VCF-style: chr17-38975143-GCCGGAGCTGCCGCCC-G.
Other names: c.1629_1643del, p.543GGGSS[1] (NM_001379366.1).
Identifiers: ClinVar variation 3053465 (VCV003053465.2), dbSNP rs755330996, ClinGen allele CA8547923.